The following is an entry in ClinVar:

NM_004364.5(CEBPA):c.187G>C (p.Asp63His)

Gene: CEBPA (CCAAT enhancer binding protein alpha; minus strand). Cytogenetic location: 19q13.11.
Variant type: single nucleotide variant.
Coding change: c.187G>C on transcript NM_004364.5 (MANE Select); coding-DNA position 187, G replaced by C.
Protein change: p.Asp63His; replaces aspartic acid 63 with histidine.
Molecular consequence: missense variant. On other transcripts: 5 prime UTR variant (1).
Genome position (GRCh38, 1-based): chr19:33,302,228, C>G on the plus strand (G>C on the coding strand, the complement: CEBPA is on the minus strand). VCF-style: chr19-33302228-C-G. GRCh37 (hg19) VCF-style: chr19-33793134-C-G.
Other names: c.-171G>C (NM_001285829.2); c.292G>C, p.Asp98His (NM_001287424.2); c.145G>C, p.Asp49His (NM_001287435.2); short protein forms D49H, D63H, D98H.
Identifiers: ClinVar variation 1019854 (VCV001019854.9), dbSNP rs1452063514, ClinGen allele CA405275496.

ClinVar aggregate classification (germline): Uncertain significance (1 of 4 stars; one submission).

Conditions:
Acute myeloid leukemia (AML). Also called: Acute myeloid leukemia, adult; AML adult; Acute non-lymphocytic leukemia; Acute granulocytic leukemia; Leukemia, acute myelogenous, somatic; Leukemia, acute myeloid, somatic. Identifiers: Orphanet 519, MedGen C0023467, MeSH D015470, MONDO:0018874, OMIM 601626, HP:0004808. Disease mechanism: Constitutively activated FLT3.

Submission:

Labcorp Genetics (formerly Invitae), Labcorp
Classification: Uncertain significance for Acute myeloid leukemia. Last evaluated: 2020-09-30. Review status: criteria provided, single submitter. Criteria: Invitae Variant Classification Sherloc (09022015). Collection method: clinical testing. Allele origin: germline.
Comment: In summary, the available evidence is currently insufficient to determine the role of this variant in disease. Therefore, it has been classified as a Variant of Uncertain Significance. Algorithms developed to predict the effect of missense changes on protein structure and function are either unavailable or do not agree on the potential impact of this missense change (SIFT: "Deleterious"; PolyPhen-2: "Probably Damaging"; Align-GVGD: "Class C0"). This variant has not been reported in the literature in individuals with CEBPA-related conditions. The frequency data for this variant in the population databases is considered unreliable, as metrics indicate insufficient coverage at this position in the ExAC database. This sequence change replaces aspartic acid with histidine at codon 63 of the CEBPA protein (p.Asp63His). The aspartic acid residue is moderately conserved and there is a moderate physicochemical difference between aspartic acid and histidine.